The following is an entry in ClinVar:

ClinVar aggregate classification (germline): Conflicting classifications of pathogenicity. Review status: criteria provided, conflicting classifications (1 of 4 stars). 3 submissions from 3 submitters: Uncertain significance (1); Likely benign (2). Last evaluated 2025-12-20.

Conditions:
Autosomal recessive limb-girdle muscular dystrophy type 2J (LGMDR10). Also called: Limb-girdle muscular dystrophy, type 2J; MUSCULAR DYSTROPHY, LIMB-GIRDLE, AUTOSOMAL RECESSIVE 10. Identifiers: Orphanet 140922, MedGen C1837342, MONDO:0012127, OMIM 608807.
Dilated cardiomyopathy 1G (CMD1G). Identifiers: Orphanet 154, MedGen C1858763, MONDO:0011400, OMIM 604145.

Allele frequency attached by ClinVar (database versions not stated): gnomAD 0.00001; gnomAD exomes 0.00001 and 0.00009; TOPMed 0.00002; ExAC 0.00008.
gnomAD v4.1: 20 of 1,613,970 alleles (0.0012%); highest among the groups gnomAD compares: East Asian, 0.042%; no homozygotes.

Submissions (3):

Labcorp Genetics (formerly Invitae), Labcorp
Classification: Likely benign for Dilated cardiomyopathy 1G; Autosomal recessive limb-girdle muscular dystrophy type 2J. Last evaluated: 2025-12-20. Review status: criteria provided, single submitter. Criteria: Invitae Variant Classification Sherloc (09022015). Collection method: clinical testing. Allele origin: germline.

Mayo Clinic Laboratories, Mayo Clinic
Classification: Likely benign. Last evaluated: 2025-09-30. Review status: criteria provided, single submitter. Criteria: ACMG Guidelines, 2015. Collection method: clinical testing. Allele origin: germline. Observed: 1 variant allele.
Comment: BS1, BP1

GeneDx
Classification: Uncertain significance. Last evaluated: 2016-12-08. Review status: criteria provided, single submitter. Criteria: GeneDx Variant Classification (06012015). Collection method: clinical testing. Allele origin: germline. Affected: yes.
Comment: A variant of uncertain significance has been identified in the TTN gene. The G2386S variant has been reported in a patient with minimal change myopathy, however, this patient also who harbored another missense variant in TTN and a variant in RYR1 (Tian et al., 2015). The G2386S variant was not observed in approximately 6,500 individuals of European and African American ancestry in the NHLBI Exome Sequencing Project, indicating it is not a common benign variant in these populations. The G2386S variant is a non-conservative amino acid substitution, which is likely to impact secondary protein structure as these residues differ in polarity, charge, size and/or other properties. Finally, this substitution occurs at a position that is conserved across species and in silico analysis predicts this variant is probably damaging to the protein structure/function.

Literature cited by the submitters: PubMed 27066551 (cited by Mayo Clinic Laboratories, Mayo Clinic).

NM_001267550.2(TTN):c.7156G>A (p.Gly2386Ser)

Genes: TTN (titin; minus strand), LOC126806433 (BRD4-independent group 4 enhancer GRCh37_chr2:179638309-179639508; plus strand). Cytogenetic location: 2q31.2.
Variant type: single nucleotide variant.
Coding change: c.7156G>A on transcript NM_001267550.2 (MANE Select); coding-DNA position 7156, G replaced by A.
Protein change: p.Gly2386Ser; replaces glycine 2386 with serine.
Molecular consequence: missense variant.
Genome position (GRCh38, 1-based): chr2:178,774,012, C>T on the plus strand (G>A on the coding strand, the complement: TTN is on the minus strand). VCF-style: chr2-178774012-C-T. GRCh37 (hg19) VCF-style: chr2-179638739-C-T.
Other names: p.Gly2386Ser; c.7018G>A, p.Gly2340Ser (NM_003319.4, NM_133432.3, NM_133437.4); c.7156G>A, p.Gly2386Ser (NM_133379.5, NM_001256850.1, NM_133378.4); short protein forms G2386S, G2340S.
Identifiers: ClinVar variation 332948 (VCV000332948.15), dbSNP rs777101912, ClinGen allele CA2004888.